The following is an entry in ClinVar:

ClinVar aggregate classification (germline): Pathogenic (1 of 4 stars; one submission).

Conditions:
Cystic fibrosis (CF). Also called: MUCOVISCIDOSIS. Identifiers: Orphanet 586, MedGen C0010674, MONDO:0009061, OMIM 219700. Disease mechanism: loss of function.

Submission:

Institute of Human Genetics, University of Leipzig Medical Center
Classification: Pathogenic for Cystic fibrosis. Last evaluated: 2022-09-05. Review status: criteria provided, single submitter. Criteria: ACMG Guidelines, 2015. Collection method: curation. Allele origin: unknown. Affected: yes. Observed: 1 variant allele.
Comment: The variant was classified in the context of a project re-classifying variants in the German Cystic Fibrosis Registry (Muko.e.V.). Criteria applied: PVS1, PM2_SUP, PP4

NM_000492.4(CFTR):c.1949del (p.Phe650fs)

Gene: CFTR (CF transmembrane conductance regulator; plus strand). Cytogenetic location: 7q31.2.
Variant type: Deletion.
Coding change: c.1949del on transcript NM_000492.4 (MANE Select); coding-DNA position 1949, one base deleted (T; older notation c.1949delT).
Protein change: p.Phe650fs; shifts the reading frame from phenylalanine 650.
Molecular consequence: frameshift variant.
Genome position (GRCh38, 1-based): chr7:117,592,116, T deleted; the last of 3 consecutive T bases (chr7:117,592,114-117,592,116); deleting any one gives the same sequence. VCF-style (leftmost placement, unchanged base first): chr7-117592113-CT-C. GRCh37 (hg19) VCF-style: chr7-117232167-CT-C.
Other names: short protein forms F650fs.
Identifiers: ClinVar variation 1706002 (VCV001706002.1), dbSNP rs2485109541, ClinGen allele CA2580076509.
Genomic context (GRCh38, chr7:117,592,113, plus strand): 5'-CATTTTCAGAACTCCAAAATCTACAGCCAGACTTTAGCTCAAAACTCATGGGATGTGATT[CT>C]TTCGACCAATTTAGTGCAGAAAGAAGAAATTCAATCCTAACTGAGACCTTACACCGTTTC-3'